The following is an entry in ClinVar:

ClinVar aggregate classification (germline): Uncertain significance (1 of 4 stars; one submission).

Conditions:
Breast-ovarian cancer, familial, susceptibility to, 4. Identifiers: Orphanet 145, MedGen C3280345, MONDO:0013669, OMIM 614291.

Submission:

Labcorp Genetics (formerly Invitae), Labcorp
Classification: Uncertain significance for Breast-ovarian cancer, familial, susceptibility to, 4. Last evaluated: 2023-08-18. Review status: criteria provided, single submitter. Criteria: Invitae Variant Classification Sherloc (09022015). Collection method: clinical testing. Allele origin: germline.
Comment: This variant is not present in population databases (gnomAD no frequency). This sequence change replaces glutamine, which is neutral and polar, with lysine, which is basic and polar, at codon 324 of the RAD51D protein (p.Gln324Lys). This variant has not been reported in the literature in individuals affected with RAD51D-related conditions. In summary, the available evidence is currently insufficient to determine the role of this variant in disease. Therefore, it has been classified as a Variant of Uncertain Significance. An algorithm developed to predict the effect of missense changes on protein structure and function (PolyPhen-2) suggests that this variant is likely to be tolerated.

NM_002878.4(RAD51D):c.970C>A (p.Gln324Lys)

Genes: RAD51L3-RFFL (RAD51L3-RFFL readthrough; minus strand), RAD51D (RAD51 paralog D; minus strand). Cytogenetic location: 17q12.
Variant type: single nucleotide variant.
Coding change: c.970C>A on transcript NM_002878.4 (MANE Select); coding-DNA position 970, C replaced by A.
Protein change: p.Gln324Lys; replaces glutamine 324 with lysine.
Molecular consequence: missense variant. On other transcripts: non-coding transcript variant (2).
Genome position (GRCh38, 1-based): chr17:35,100,970, G>T on the plus strand (C>A on the coding strand, the complement: RAD51D is on the minus strand). VCF-style: chr17-35100970-G-T. GRCh37 (hg19) VCF-style: chr17-33427989-G-T.
Other names: c.1030C>A, p.Gln344Lys (NM_001142571.2); c.634C>A, p.Gln212Lys (NM_133629.3); short protein forms Q212K, Q324K, Q344K.
Identifiers: ClinVar variation 2753664 (VCV002753664.3), dbSNP rs1217001362, ClinGen allele CA399086057.